The following is an entry in ClinVar:

NM_015135.3(NUP205):c.3056A>G (p.Asn1019Ser)

Gene: NUP205 (nucleoporin 205; plus strand). Cytogenetic location: 7q33.
Variant type: single nucleotide variant.
Coding change: c.3056A>G on transcript NM_015135.3 (MANE Select); coding-DNA position 3056, A replaced by G.
Protein change: p.Asn1019Ser; replaces asparagine 1019 with serine.
Molecular consequence: missense variant.
Genome position (GRCh38, 1-based): chr7:135,606,901, A>G. VCF-style: chr7-135606901-A-G. GRCh37 (hg19) VCF-style: chr7-135291649-A-G.
Other names: c.1982A>G, p.Asn661Ser (NM_001329434.2); short protein forms N1019S, N661S.
Identifiers: ClinVar variation 780125 (VCV000780125.11), dbSNP rs78254699, ClinGen allele CA4498498.

ClinVar aggregate classification (germline): Conflicting classifications of pathogenicity. Review status: criteria provided, conflicting classifications (1 of 4 stars). 3 submissions from 3 submitters: Uncertain significance (1); Likely benign (1). 1 of the submissions does not count toward it. Last evaluated 2025-11-25.

Conditions:
NUP205-related disorder. Also called: NUP205-related condition.

Allele frequency attached by ClinVar (database versions not stated): gnomAD 0.00079 and 0.00081; TOPMed 0.00079; 1000 Genomes Project 0.00080; 1000 Genomes Project 30x 0.00094; ExAC 0.00101; gnomAD exomes 0.00106 and 0.00174; ESP Exome Variant Server 0.00108.
gnomAD v4.1: 2,612 of 1,613,888 alleles (0.16%); highest among the groups gnomAD compares: Non-Finnish European, 0.21%; 1 homozygote.

Submissions (3):

Labcorp Genetics (formerly Invitae), Labcorp
Classification: Likely benign. Last evaluated: 2025-11-25. Review status: criteria provided, single submitter. Criteria: Invitae Variant Classification Sherloc (09022015). Collection method: clinical testing. Allele origin: germline.

Ambry Genetics
Classification: Uncertain significance. Last evaluated: 2021-09-01. Review status: criteria provided, single submitter. Criteria: Ambry Variant Classification Scheme 2023. Collection method: clinical testing. Allele origin: germline.

PreventionGenetics, part of Exact Sciences
Classification: Likely benign for NUP205-related condition. Last evaluated: 2022-12-19. Review status: no assertion criteria provided. Collection method: clinical testing. Allele origin: germline. Not counted in ClinVar's aggregate classification.
Comment: This variant is classified as likely benign based on ACMG/AMP sequence variant interpretation guidelines (Richards et al. 2015 PMID: 25741868, with internal and published modifications).